The following is an entry in ClinVar:

ClinVar aggregate classification (germline): Uncertain significance (1 of 4 stars; one submission).

Conditions:
Inflammatory skin and bowel disease, neonatal, 1. Identifiers: Orphanet 294023, MedGen C3280501, MONDO:0013693, OMIM 614328.

Allele frequency attached by ClinVar (database versions not stated): gnomAD exomes below 0.00001.
gnomAD v4.1: 2 of 1,611,650 alleles (0.00012%); highest among the groups gnomAD compares: South Asian, 0.0011%; no homozygotes.

Submission:

Labcorp Genetics (formerly Invitae), Labcorp
Classification: Uncertain significance for Inflammatory skin and bowel disease, neonatal, 1. Last evaluated: 2020-09-16. Review status: criteria provided, single submitter. Criteria: Invitae Variant Classification Sherloc (09022015). Collection method: clinical testing. Allele origin: germline.
Comment: In summary, the available evidence is currently insufficient to determine the role of this variant in disease. Therefore, it has been classified as a Variant of Uncertain Significance. Algorithms developed to predict the effect of missense changes on protein structure and function are either unavailable or do not agree on the potential impact of this missense change (SIFT: "Not Available"; PolyPhen-2: "Probably Damaging"; Align-GVGD: "Not Available"). This variant has not been reported in the literature in individuals with ADAM17-related conditions. This variant is not present in population databases (ExAC no frequency). This sequence change replaces isoleucine with threonine at codon 255 of the ADAM17 protein (p.Ile255Thr). The isoleucine residue is highly conserved and there is a moderate physicochemical difference between isoleucine and threonine.

NM_003183.6(ADAM17):c.764T>C (p.Ile255Thr)

Gene: ADAM17 (ADAM metallopeptidase domain 17; minus strand). Cytogenetic location: 2p25.1.
Variant type: single nucleotide variant.
Coding change: c.764T>C on transcript NM_003183.6 (MANE Select); coding-DNA position 764, T replaced by C.
Protein change: p.Ile255Thr; replaces isoleucine 255 with threonine.
Molecular consequence: missense variant. On other transcripts: 5 prime UTR variant (1).
Genome position (GRCh38, 1-based): chr2:9,523,328, A>G on the plus strand (T>C on the coding strand, the complement: ADAM17 is on the minus strand). VCF-style: chr2-9523328-A-G. GRCh37 (hg19) VCF-style: chr2-9663457-A-G.
Other names: c.104T>C, p.Ile35Thr (NM_001382777.1); c.-139T>C (NM_001382778.1); short protein forms I255T, I35T.
Identifiers: ClinVar variation 1061307 (VCV001061307.7), dbSNP rs2125023419, ClinGen allele CA345781783.